The following is an entry in ClinVar:

ClinVar aggregate classification (germline): Uncertain significance (1 of 4 stars; one submission).

Conditions:
Chromosome 2q32-q33 deletion syndrome (GLASS). Also called: Glass syndrome; 2q33.1 deletion syndrome. Identifiers: Orphanet 251019, MedGen C2676739, MONDO:0012864, OMIM 612313.

Submission:

Labcorp Genetics (formerly Invitae), Labcorp
Classification: Uncertain significance for Chromosome 2q32-q33 deletion syndrome. Last evaluated: 2021-11-17. Review status: criteria provided, single submitter. Criteria: Invitae Variant Classification Sherloc (09022015). Collection method: clinical testing. Allele origin: germline.
Comment: This variant is not present in population databases (gnomAD no frequency). In summary, the available evidence is currently insufficient to determine the role of this variant in disease. Therefore, it has been classified as a Variant of Uncertain Significance. Advanced modeling of protein sequence and biophysical properties (such as structural, functional, and spatial information, amino acid conservation, physicochemical variation, residue mobility, and thermodynamic stability) performed at Invitae indicates that this missense variant is not expected to disrupt SATB2 protein function. This variant has not been reported in the literature in individuals affected with SATB2-related conditions. This sequence change replaces asparagine, which is neutral and polar, with lysine, which is basic and polar, at codon 241 of the SATB2 protein (p.Asn241Lys).

NM_001172509.2(SATB2):c.723C>A (p.Asn241Lys)

Gene: SATB2 (SATB homeobox 2; minus strand). Cytogenetic location: 2q33.1.
Variant type: single nucleotide variant.
Coding change: c.723C>A on transcript NM_001172509.2 (MANE Select); coding-DNA position 723, C replaced by A.
Protein change: p.Asn241Lys; replaces asparagine 241 with lysine.
Molecular consequence: missense variant.
Genome position (GRCh38, 1-based): chr2:199,349,151, G>T on the plus strand (C>A on the coding strand, the complement: SATB2 is on the minus strand). VCF-style: chr2-199349151-G-T. GRCh37 (hg19) VCF-style: chr2-200213874-G-T.
Other names: c.723C>A, p.Asn241Lys (NM_001172517.1, NM_015265.4); short protein forms N241K.
Identifiers: ClinVar variation 1504321 (VCV001504321.6), dbSNP rs752232729, ClinGen allele CA350388277.